The following is an entry in ClinVar:

ClinVar aggregate classification (germline): Uncertain significance (1 of 4 stars; one submission).

Conditions:
Hereditary cancer-predisposing syndrome. Also called: Tumor predisposition; Neoplastic Syndromes, Hereditary; Hereditary neoplastic syndrome; Hereditary Cancer Syndrome. Identifiers: Orphanet 140162, MedGen C0027672, MeSH D009386, MONDO:0015356.

Submission:

Ambry Genetics
Classification: Uncertain significance for Hereditary cancer-predisposing syndrome. Last evaluated: 2025-08-27. Review status: criteria provided, single submitter. Criteria: Ambry Variant Classification Scheme 2023. Collection method: clinical testing. Allele origin: germline.
Comment: The p.K361Q variant (also known as c.1081A>C), located in coding exon 12 of the MUTYH gene, results from an A to C substitution at nucleotide position 1081. The lysine at codon 361 is replaced by glutamine, an amino acid with similar properties. This amino acid position is conserved. In addition, the in silico prediction for this alteration is inconclusive. Based on the available evidence, the clinical significance of this variant remains unclear.

NM_001048174.2(MUTYH):c.997A>C (p.Lys333Gln)

Gene: MUTYH (mutY DNA glycosylase; minus strand). Cytogenetic location: 1p34.1.
Variant type: single nucleotide variant.
Coding change: c.997A>C on transcript NM_001048174.2 (MANE Select); coding-DNA position 997, A replaced by C.
Protein change: p.Lys333Gln; replaces lysine 333 with glutamine.
Molecular consequence: missense variant. On other transcripts: non-coding transcript variant (7).
Genome position (GRCh38, 1-based): chr1:45,331,766, T>G on the plus strand (A>C on the coding strand, the complement: MUTYH is on the minus strand). VCF-style: chr1-45331766-T-G. GRCh37 (hg19) VCF-style: chr1-45797438-T-G.
Other names: c.997A>C, p.Lys333Gln (NM_001048171.2, NM_001048173.2, NM_001293195.2 and 6 more transcripts); c.1000A>C, p.Lys334Gln (NM_001048172.2, NM_001407071.1, NM_001407078.1 and 1 more transcripts); c.1081A>C, p.Lys361Gln (NM_001128425.2); c.1042A>C, p.Lys348Gln (NM_001293190.2); c.1030A>C, p.Lys344Gln (NM_001293191.2, NM_001407069.1, NM_001407077.1); c.721A>C, p.Lys241Gln (NM_001293192.2, NM_001293196.2, NM_001407091.1); c.652A>C, p.Lys218Gln (NM_001350650.2, NM_001350651.2, NM_001407082.1); c.913A>C, p.Lys305Gln (NM_001407075.1); and 5 more; short protein forms K241Q, K358Q, K218Q, K305Q, K320Q, K340Q, K347Q, K361Q.
Identifiers: ClinVar variation 4112989 (VCV004112989.1).
Genomic context (GRCh38, chr1:45,331,766, plus strand): 5'-CAGGCTGTTCCAGAACACAGGTGGCAGAGCTCTCCTCCCTGGGGGGCTTGCGGCTGGCCT[T>G]TCTGGGGAAGTTGACCACTCCCAGGGTCTGGTCCCAGGGCTCCGAGGGAGGCAGGCACAG-3'
Protein context (NP_001041639.1, residues 323-343): QTLGVVNFPR[Lys333Gln]ASRKPPREES